The following is an entry in ClinVar:

NM_153676.4(USH1C):c.7C>A (p.Arg3=)

Gene: USH1C (USH1 protein network component harmonin; minus strand). Cytogenetic location: 11p15.1.
Variant type: single nucleotide variant.
Coding change: c.7C>A on transcript NM_153676.4 (MANE Select); coding-DNA position 7, C replaced by A.
Protein change: p.Arg3=; no amino-acid change (arginine 3 retained).
Molecular consequence: synonymous variant. On other transcripts: non-coding transcript variant (1).
Genome position (GRCh38, 1-based): chr11:17,544,301, G>T on the plus strand (C>A on the coding strand, the complement: USH1C is on the minus strand). VCF-style: chr11-17544301-G-T. GRCh37 (hg19) VCF-style: chr11-17565848-G-T.
Other names: c.7C>A, p.Arg3= (NM_001297764.2, NM_005709.4).
Identifiers: ClinVar variation 228196 (VCV000228196.13), dbSNP rs876657624, ClinGen allele CA10576849.

ClinVar aggregate classification (germline): Likely benign. Review status: criteria provided, multiple submitters, no conflicts (2 of 4 stars). 2 submissions from 2 submitters: Likely benign (2). Last evaluated 2020-08-07.

Allele frequency attached by ClinVar (database versions not stated): gnomAD exomes below 0.00001.
gnomAD v4.1: 2 of 1,614,048 alleles (0.00012%); highest among the groups gnomAD compares: South Asian, 0.0022%; no homozygotes.

Submissions (2):

Labcorp Genetics (formerly Invitae), Labcorp
Classification: Likely benign. Last evaluated: 2020-08-07. Review status: criteria provided, single submitter. Criteria: Invitae Variant Classification Sherloc (09022015). Collection method: clinical testing. Allele origin: germline.

Laboratory for Molecular Medicine, Mass General Brigham Personalized Medicine
Classification: Likely benign. Last evaluated: 2016-01-19. Review status: criteria provided, single submitter. Criteria: LMM Criteria. Collection method: clinical testing. Allele origin: germline. Observed: 1 variant allele.
Comment: p.Arg3Arg in exon 1 of USH1C: This variant is not expected to have clinical sign ificance because it does not alter an amino acid residue and is not located with in the splice consensus sequence.